The following is an entry in ClinVar:

ClinVar aggregate classification (germline): Uncertain significance. Review status: criteria provided, multiple submitters, no conflicts (2 of 4 stars). 2 submissions from 2 submitters: Uncertain significance (2). Last evaluated 2025-03-01.

Conditions:
Inborn genetic diseases. Identifiers: MedGen C0950123, MeSH D030342.
Mucopolysaccharidosis, MPS-III-D (MPS3D). Also called: MUCOPOLYSACCHARIDOSIS, TYPE IIID; N-ACETYLGLUCOSAMINE-6-SULFATASE DEFICIENCY; SANFILIPPO SYNDROME D; MPS III D; Mucopoly-saccharidosis type 3D; N-acetylglucosamine-6-sulfate sulfatase deficiency. Identifiers: Orphanet 581, Orphanet 79272, MedGen C0086650, MONDO:0009658, OMIM 252940.

Allele frequency attached by ClinVar (database versions not stated): gnomAD exomes below 0.00001.
gnomAD v4.1: 3 of 1,610,724 alleles (0.00019%); highest among the groups gnomAD compares: Non-Finnish European, 0.00025%; no homozygotes.

Submissions (2):

Ambry Genetics
Classification: Uncertain significance for Inborn genetic diseases. Last evaluated: 2025-03-01. Review status: criteria provided, single submitter. Criteria: Ambry Variant Classification Scheme 2023. Collection method: clinical testing. Allele origin: germline.

Labcorp Genetics (formerly Invitae), Labcorp
Classification: Uncertain significance for Mucopolysaccharidosis, MPS-III-D. Last evaluated: 2024-11-05. Review status: criteria provided, single submitter. Criteria: Invitae Variant Classification Sherloc (09022015). Collection method: clinical testing. Allele origin: germline.
Comment: This sequence change replaces glycine, which is neutral and non-polar, with arginine, which is basic and polar, at codon 263 of the GNS protein (p.Gly263Arg). This variant is not present in population databases (gnomAD no frequency). This variant has not been reported in the literature in individuals affected with GNS-related conditions. ClinVar contains an entry for this variant (Variation ID: 1901173). An algorithm developed to predict the effect of missense changes on protein structure and function (PolyPhen-2) suggests that this variant is likely to be tolerated. In summary, the available evidence is currently insufficient to determine the role of this variant in disease. Therefore, it has been classified as a Variant of Uncertain Significance.

NM_002076.4(GNS):c.787G>C (p.Gly263Arg)

Gene: GNS (glucosamine (N-acetyl)-6-sulfatase; minus strand). Cytogenetic location: 12q14.3.
Variant type: single nucleotide variant.
Coding change: c.787G>C on transcript NM_002076.4 (MANE Select); coding-DNA position 787, G replaced by C.
Protein change: p.Gly263Arg; replaces glycine 263 with arginine.
Molecular consequence: missense variant.
Genome position (GRCh38, 1-based): chr12:64,743,146, C>G on the plus strand (G>C on the coding strand, the complement: GNS is on the minus strand). VCF-style: chr12-64743146-C-G. GRCh37 (hg19) VCF-style: chr12-65136926-C-G.
Other names: c.787G>C (NM_002076.3); short protein forms G263R.
Identifiers: ClinVar variation 1901173 (VCV001901173.5), dbSNP rs2539523573, ClinGen allele CA385608769.